The following is an entry in ClinVar:

NM_025074.7(FRAS1):c.6429C>T (p.Pro2143=)

Gene: FRAS1 (Fraser extracellular matrix complex subunit 1; plus strand). Cytogenetic location: 4q21.21.
Variant type: single nucleotide variant.
Coding change: c.6429C>T on transcript NM_025074.7 (MANE Select); coding-DNA position 6429, C replaced by T.
Protein change: p.Pro2143=; no amino-acid change (proline 2143 retained).
Molecular consequence: synonymous variant.
Genome position (GRCh38, 1-based): chr4:78,450,305, C>T. VCF-style: chr4-78450305-C-T. GRCh37 (hg19) VCF-style: chr4-79371459-C-T.
Identifiers: ClinVar variation 797141 (VCV000797141.11), dbSNP rs374949365, ClinGen allele CA2977776.

ClinVar aggregate classification (germline): Likely benign. Review status: criteria provided, multiple submitters, no conflicts (2 of 4 stars). 3 submissions from 3 submitters: Likely benign (3). Last evaluated 2026-06-04.

Conditions:
FRAS1-related disorder. Also called: FRAS1-related condition.

Allele frequency attached by ClinVar (database versions not stated): ExAC 0.00006; 1000 Genomes Project 30x 0.00016; 1000 Genomes Project 0.00020; gnomAD 0.00022 and 0.00026; ESP Exome Variant Server 0.00025; TOPMed 0.00032; gnomAD exomes 0.00002 and 0.00004.
gnomAD v4.1: 67 of 1,613,858 alleles (0.0042%); highest among the groups gnomAD compares: African/African-American, 0.073%; no homozygotes.

Submissions (3):

PreventionGenetics, part of Exact Sciences
Classification: Likely benign for FRAS1-related condition. Last evaluated: 2026-06-04. Review status: criteria provided, single submitter. Criteria: ACMG Guidelines, 2015. Collection method: clinical testing. Allele origin: germline.
Comment: This variant is classified as likely benign based on ACMG/AMP sequence variant interpretation guidelines (Richards et al. 2015 PMID: 25741868, with internal and published modifications).

Labcorp Genetics (formerly Invitae), Labcorp
Classification: Likely benign. Last evaluated: 2025-12-22. Review status: criteria provided, single submitter. Criteria: Invitae Variant Classification Sherloc (09022015). Collection method: clinical testing. Allele origin: germline.

Breakthrough Genomics
Classification: Likely benign. Review status: criteria provided, single submitter. Criteria: ACMG Guidelines, 2015. Collection method: not provided. Allele origin: germline. Inheritance: Autosomal recessive inheritance. Affected: yes.